The following is an entry in ClinVar:

NM_000179.3(MSH6):c.1535A>G (p.Glu512Gly)

Gene: MSH6 (mutS homolog 6; plus strand). Cytogenetic location: 2p16.3.
Variant type: single nucleotide variant.
Coding change: c.1535A>G on transcript NM_000179.3 (MANE Select); coding-DNA position 1535, A replaced by G.
Protein change: p.Glu512Gly; replaces glutamic acid 512 with glycine.
Molecular consequence: missense variant.
Genome position (GRCh38, 1-based): chr2:47,799,518, A>G. VCF-style: chr2-47799518-A-G. GRCh37 (hg19) VCF-style: chr2-48026657-A-G.
Other names: c.1145A>G, p.Glu382Gly (NM_001281492.2); c.629A>G, p.Glu210Gly (NM_001281493.2, NM_001281494.2); short protein forms E512G, E382G, E210G.
Identifiers: ClinVar variation 410501 (VCV000410501.10), dbSNP rs1060502930, ClinGen allele CA16610960.

ClinVar aggregate classification (germline): Uncertain significance (1 of 4 stars; one submission).

Conditions:
Hereditary nonpolyposis colorectal neoplasms. Identifiers: MedGen C0009405, MeSH D003123.

Allele frequency attached by ClinVar (database versions not stated): gnomAD exomes below 0.00001; TOPMed below 0.00001; gnomAD 0.00001.
gnomAD v4.1: 2 of 1,614,044 alleles (0.00012%); highest among the groups gnomAD compares: East Asian, 0.0022%; no homozygotes.

Submission:

Labcorp Genetics (formerly Invitae), Labcorp
Classification: Uncertain significance for Hereditary nonpolyposis colorectal neoplasms. Last evaluated: 2016-12-16. Review status: criteria provided, single submitter. Criteria: Invitae Variant Classification Sherloc (09022015). Collection method: clinical testing. Allele origin: germline.
Comment: In summary, this variant is a novel missense change with uncertain impact on protein function. It has been classified as a Variant of Uncertain Significance. Algorithms developed to predict the effect of missense changes on protein structure and function (SIFT, PolyPhen-2, Align-GVGD) all suggest that this variant is likely to be disruptive, but these predictions have not been confirmed by published functional studies. This variant is not present in population databases (ExAC no frequency) and has not been reported in the literature in individuals with an MSH6-related disease. This sequence change replaces glutamic acid with glycine at codon 512 of the MSH6 protein (p.Glu512Gly). The glutamic acid residue is highly conserved and there is a moderate physicochemical difference between glutamic acid and glycine.